The following is an entry in ClinVar:

ClinVar aggregate classification (germline): Uncertain significance (1 of 4 stars; one submission).

Conditions:
Kabuki syndrome. Also called: NIIKAWA-KUROKI SYNDROME; Kabuki make-up syndrome. Identifiers: Orphanet 2322, MedGen C0796004, MONDO:0016512.

Submission:

Labcorp Genetics (formerly Invitae), Labcorp
Classification: Uncertain significance for Kabuki syndrome. Last evaluated: 2026-01-24. Review status: criteria provided, single submitter. Criteria: Invitae Variant Classification Sherloc (09022015). Collection method: clinical testing. Allele origin: germline.
Comment: This sequence change replaces proline, which is neutral and non-polar, with histidine, which is basic and polar, at codon 724 of the KMT2D protein (p.Pro724His). This variant is not present in population databases (gnomAD no frequency). This variant has not been reported in the literature in individuals affected with KMT2D-related conditions. Invitae Evidence Modeling of protein sequence and biophysical properties (such as structural, functional, and spatial information, amino acid conservation, physicochemical variation, residue mobility, and thermodynamic stability) indicates that this missense variant is not expected to disrupt KMT2D protein function with a negative predictive value of 95%. In summary, the available evidence is currently insufficient to determine the role of this variant in disease. Therefore, it has been classified as a Variant of Uncertain Significance.

NM_003482.4(KMT2D):c.2171C>A (p.Pro724His)

Gene: KMT2D (lysine methyltransferase 2D; minus strand). Cytogenetic location: 12q13.12.
Variant type: single nucleotide variant.
Coding change: c.2171C>A on transcript NM_003482.4 (MANE Select); coding-DNA position 2171, C replaced by A.
Protein change: p.Pro724His; replaces proline 724 with histidine.
Molecular consequence: missense variant.
Genome position (GRCh38, 1-based): chr12:49,051,512, G>T on the plus strand (C>A on the coding strand, the complement: KMT2D is on the minus strand). VCF-style: chr12-49051512-G-T. GRCh37 (hg19) VCF-style: chr12-49445295-G-T.
Other names: short protein forms P724H.
Identifiers: ClinVar variation 4801259 (VCV004801259.1).